The following is an entry in ClinVar:

NM_019066.5(MAGEL2):c.3071C>T (p.Ala1024Val)

Gene: MAGEL2 (MAGE family member L2; minus strand). Cytogenetic location: 15q11.2.
Variant type: single nucleotide variant.
Coding change: c.3071C>T on transcript NM_019066.5 (MANE Select); coding-DNA position 3071, C replaced by T.
Protein change: p.Ala1024Val; replaces alanine 1024 with valine.
Molecular consequence: missense variant.
Genome position (GRCh38, 1-based): chr15:23,644,672, G>A on the plus strand (C>T on the coding strand, the complement: MAGEL2 is on the minus strand). VCF-style: chr15-23644672-G-A. GRCh37 (hg19) VCF-style: chr15-23889819-G-A.
Other names: short protein forms A1024V.
Identifiers: ClinVar variation 2644980 (VCV002644980.24), dbSNP rs778412481, ClinGen allele CA7429760.
Genomic context (GRCh38, chr15:23,644,672, plus strand): 5'-GAGCGCTGGACAGGCACCTTGGCTTGGTCCTTGACTAAGAGGAACTGCACCAACGCATTT[G>A]CCCTCTCATCCAAGGGAGACAAGGGCTGTGCCTCCACCTTGGAATTATCCTGGGTGGCAC-3'
Protein context (NP_061939.3, residues 1014-1034): AQPLSPLDER[Ala1024Val]NALVQFLLVK

ClinVar aggregate classification (germline): Uncertain significance (1 of 4 stars; one submission).

Allele frequency attached by ClinVar (database versions not stated): ExAC 0.00001.
gnomAD v4.1: 3 of 1,613,828 alleles (0.00019%); highest among the groups gnomAD compares: Non-Finnish European, 0.00025%; no homozygotes.

Submission:

CeGaT Center for Human Genetics Tuebingen
Classification: Uncertain significance. Last evaluated: 2023-03-01. Review status: criteria provided, single submitter. Criteria: CeGaT Center For Human Genetics Tuebingen Variant Classification Criteria Version 2. Collection method: clinical testing. Allele origin: germline. Affected: yes. Observed: 1 variant allele.
Comment: MAGEL2: PM2, BP4